The following is an entry in ClinVar:

ClinVar aggregate classification (germline): Uncertain significance. Review status: criteria provided, multiple submitters, no conflicts (2 of 4 stars). 2 submissions from 2 submitters: Uncertain significance (2). Last evaluated 2025-07-29.

Conditions:
Hereditary cancer-predisposing syndrome. Also called: Hereditary neoplastic syndrome; Tumor predisposition; Neoplastic Syndromes, Hereditary; Hereditary Cancer Syndrome. Identifiers: Orphanet 140162, MedGen C0027672, MeSH D009386, MONDO:0015356.

Allele frequency attached by ClinVar (database versions not stated): gnomAD exomes below 0.00001.
gnomAD v4.1: 5 of 1,613,914 alleles (0.00031%); highest among the groups gnomAD compares: Non-Finnish European, 0.00042%; no homozygotes.

Submissions (2):

Ambry Genetics
Classification: Uncertain significance for Hereditary cancer-predisposing syndrome. Last evaluated: 2025-07-29. Review status: criteria provided, single submitter. Criteria: Ambry Variant Classification Scheme 2023. Collection method: clinical testing. Allele origin: germline.
Comment: The p.E283G variant (also known as c.848A>G), located in coding exon 6 of the RAD50 gene, results from an A to G substitution at nucleotide position 848. The glutamic acid at codon 283 is replaced by glycine, an amino acid with similar properties. This amino acid position is highly conserved in available vertebrate species. In addition, this alteration is predicted to be tolerated by in silico analysis. Since supporting evidence is limited at this time, the clinical significance of this alteration remains unclear.

Labcorp Genetics (formerly Invitae), Labcorp
Classification: Uncertain significance for Hereditary cancer-predisposing syndrome. Last evaluated: 2025-07-22. Review status: criteria provided, single submitter. Criteria: Invitae Variant Classification Sherloc (09022015). Collection method: clinical testing. Allele origin: germline.
Comment: This sequence change replaces glutamic acid, which is acidic and polar, with glycine, which is neutral and non-polar, at codon 283 of the RAD50 protein (p.Glu283Gly). This variant is not present in population databases (gnomAD no frequency). This variant has not been reported in the literature in individuals affected with RAD50-related conditions. ClinVar contains an entry for this variant (Variation ID: 571644). Invitae Evidence Modeling of protein sequence and biophysical properties (such as structural, functional, and spatial information, amino acid conservation, physicochemical variation, residue mobility, and thermodynamic stability) indicates that this missense variant is expected to disrupt RAD50 protein function with a positive predictive value of 80%. In summary, the available evidence is currently insufficient to determine the role of this variant in disease. Therefore, it has been classified as a Variant of Uncertain Significance.

NM_005732.4(RAD50):c.848A>G (p.Glu283Gly)

Gene: RAD50 (RAD50 double strand break repair protein; plus strand). Cytogenetic location: 5q31.1.
Variant type: single nucleotide variant.
Coding change: c.848A>G on transcript NM_005732.4 (MANE Select); coding-DNA position 848, A replaced by G.
Protein change: p.Glu283Gly; replaces glutamic acid 283 with glycine.
Molecular consequence: missense variant.
Genome position (GRCh38, 1-based): chr5:132,587,653, A>G. VCF-style: chr5-132587653-A-G. GRCh37 (hg19) VCF-style: chr5-131923345-A-G.
Other names: short protein forms E283G.
Identifiers: ClinVar variation 571644 (VCV000571644.13), dbSNP rs1561638980, ClinGen allele CA360940405.